The following is an entry in ClinVar:

ClinVar aggregate classification (germline): Pathogenic/Likely pathogenic. Review status: criteria provided, multiple submitters, no conflicts (2 of 4 stars). 2 submissions from 2 submitters: Pathogenic (1); Likely pathogenic (1). Last evaluated 2025-05-20.

Conditions:
Menke-Hennekam syndrome 2 (MKHK2). Identifiers: MedGen C5193035, MONDO:0020769, OMIM 618333.
Rubinstein-Taybi syndrome due to EP300 haploinsufficiency. Also called: EP300-Related Rubinstein-Taybi Syndrome; RUBINSTEIN-TAYBI SYNDROME 2. Identifiers: Orphanet 353284, Orphanet 783, MedGen C3150941, MONDO:0013364, OMIM 613684.

Submissions (2):

3billion
Classification: Likely pathogenic for Menke-Hennekam syndrome 2. Last evaluated: 2025-05-20. Review status: criteria provided, single submitter. Criteria: ACMG Guidelines, 2015. Collection method: clinical testing. Allele origin: germline. Affected: yes.
Comment: The variant is not observed in the gnomAD v4.1.0 dataset. Predicted Consequence/Location: Canonical splice site: predicted to alter splicing and result in a loss or disruption of normal protein function. Multiple pathogenic loss-of-function variants are reported downstream of the variant. Therefore, this variant is classified as Likely pathogenic according to the recommendation of ACMG/AMP guideline.

Genetics and Molecular Pathology, SA Pathology
Classification: Pathogenic for Rubinstein-Taybi syndrome due to EP300 haploinsufficiency. Last evaluated: 2024-07-26. Review status: criteria provided, single submitter. Criteria: ACMG Guidelines, 2015. Collection method: clinical testing. Allele origin: germline. Affected: yes.

NM_001429.4(EP300):c.3729-2A>G

Gene: EP300 (EP300 lysine acetyltransferase; plus strand). Cytogenetic location: 22q13.2.
Variant type: single nucleotide variant.
Coding change: c.3729-2A>G on transcript NM_001429.4 (MANE Select); the canonical splice acceptor site of the intron before coding-DNA position 3729, A replaced by G.
Molecular consequence: splice acceptor variant.
Genome position (GRCh38, 1-based): chr22:41,164,051, A>G. VCF-style: chr22-41164051-A-G. GRCh37 (hg19) VCF-style: chr22-41560055-A-G.
Other names: c.3651-2A>G (NM_001362843.2).
Identifiers: ClinVar variation 4855166 (VCV004855166.2).